The following is an entry in ClinVar:

ClinVar aggregate classification (germline): Uncertain significance (1 of 4 stars; one submission).

Conditions:
Spastic paraplegia. Identifiers: MedGen C0037772, HP:0001258.

Submission:

Labcorp Genetics (formerly Invitae), Labcorp
Classification: Uncertain significance for Spastic paraplegia. Last evaluated: 2025-04-23. Review status: criteria provided, single submitter. Criteria: Invitae Variant Classification Sherloc (09022015). Collection method: clinical testing. Allele origin: germline.
Comment: This sequence change replaces aspartic acid, which is acidic and polar, with glycine, which is neutral and non-polar, at codon 514 of the ARSI protein (p.Asp514Gly). This variant is not present in population databases (gnomAD no frequency). This variant has not been reported in the literature in individuals affected with ARSI-related conditions. ClinVar contains an entry for this variant (Variation ID: 573405). An algorithm developed to predict the effect of missense changes on protein structure and function (PolyPhen-2) suggests that this variant is likely to be tolerated. In summary, the available evidence is currently insufficient to determine the role of this variant in disease. Therefore, it has been classified as a Variant of Uncertain Significance.

NM_001012301.4(ARSI):c.1541A>G (p.Asp514Gly)

Gene: ARSI (arylsulfatase family member I; minus strand). Cytogenetic location: 5q32.
Variant type: single nucleotide variant.
Coding change: c.1541A>G on transcript NM_001012301.4 (MANE Select); coding-DNA position 1541, A replaced by G.
Protein change: p.Asp514Gly; replaces aspartic acid 514 with glycine.
Molecular consequence: missense variant.
Genome position (GRCh38, 1-based): chr5:150,297,383, T>C on the plus strand (A>G on the coding strand, the complement: ARSI is on the minus strand). VCF-style: chr5-150297383-T-C. GRCh37 (hg19) VCF-style: chr5-149676946-T-C.
Other names: short protein forms D514G.
Identifiers: ClinVar variation 573405 (VCV000573405.8), dbSNP rs1562223237, ClinGen allele CA361726575.